The following is an entry in ClinVar:

ClinVar aggregate classification (germline): Uncertain significance (1 of 4 stars; one submission).

Conditions:
Congenital myasthenic syndrome 17. Identifiers: Orphanet 590, MedGen C4225377, MONDO:0014578, OMIM 616304.
Cenani-Lenz syndactyly syndrome. Also called: CENANI SYNDACTYLISM; SYNDACTYLY, TYPE VII. Identifiers: Orphanet 3258, MedGen C1859309, MONDO:0008931, OMIM 212780.
Sclerosteosis 2 (SOST2). Identifiers: Orphanet 3152, MedGen C3280402, MONDO:0013679, OMIM 614305.

Allele frequency attached by ClinVar (database versions not stated): gnomAD exomes below 0.00001; gnomAD 0.00001; ExAC 0.00003; TOPMed 0.00003.
gnomAD v4.1: 6 of 1,613,702 alleles (0.00037%); highest among the groups gnomAD compares: African/African-American, 0.0027%; no homozygotes.

Submission:

Labcorp Genetics (formerly Invitae), Labcorp
Classification: Uncertain significance for Cenani-Lenz syndactyly syndrome; Sclerosteosis 2; Congenital myasthenic syndrome 17. Last evaluated: 2022-07-03. Review status: criteria provided, single submitter. Criteria: Invitae Variant Classification Sherloc (09022015). Collection method: clinical testing. Allele origin: germline.
Comment: This sequence change replaces arginine, which is basic and polar, with glutamine, which is neutral and polar, at codon 557 of the LRP4 protein (p.Arg557Gln). This variant is present in population databases (rs750935748, gnomAD 0.02%). This variant has not been reported in the literature in individuals affected with LRP4-related conditions. Algorithms developed to predict the effect of missense changes on protein structure and function (SIFT, PolyPhen-2, Align-GVGD) all suggest that this variant is likely to be disruptive. In summary, the available evidence is currently insufficient to determine the role of this variant in disease. Therefore, it has been classified as a Variant of Uncertain Significance.

NM_002334.4(LRP4):c.1670G>A (p.Arg557Gln)

Gene: LRP4 (LDL receptor related protein 4; minus strand). Cytogenetic location: 11p11.2.
Variant type: single nucleotide variant.
Coding change: c.1670G>A on transcript NM_002334.4 (MANE Select); coding-DNA position 1670, G replaced by A.
Protein change: p.Arg557Gln; replaces arginine 557 with glutamine.
Molecular consequence: missense variant.
Genome position (GRCh38, 1-based): chr11:46,893,000, C>T on the plus strand (G>A on the coding strand, the complement: LRP4 is on the minus strand). VCF-style: chr11-46893000-C-T. GRCh37 (hg19) VCF-style: chr11-46914551-C-T.
Other names: short protein forms R557Q.
Identifiers: ClinVar variation 2156906 (VCV002156906.3), dbSNP rs750935748, ClinGen allele CA5970093.